The following is an entry in ClinVar:

ClinVar aggregate classification (germline): Benign/Likely benign. Review status: criteria provided, multiple submitters, no conflicts (2 of 4 stars). 3 submissions from 3 submitters: Benign (1); Likely benign (1). 1 of the submissions does not count toward it. Last evaluated 2026-01-28.

Conditions:
GABRA2-related disorder. Also called: GABRA2-related condition.

Submissions (3):

Labcorp Genetics (formerly Invitae), Labcorp
Classification: Benign. Last evaluated: 2026-01-28. Review status: criteria provided, single submitter. Criteria: Invitae Variant Classification Sherloc (09022015). Collection method: clinical testing. Allele origin: germline.

CeGaT Center for Human Genetics Tuebingen
Classification: Likely benign. Last evaluated: 2023-11-01. Review status: criteria provided, single submitter. Criteria: CeGaT Center For Human Genetics Tuebingen Variant Classification Criteria Version 2. Collection method: clinical testing. Allele origin: germline. Affected: yes. Observed: 2 variant alleles.
Comment: GABRA2: BP4, BS1:Supporting

PreventionGenetics, part of Exact Sciences
Classification: Benign for GABRA2-related condition. Last evaluated: 2019-12-09. Review status: no assertion criteria provided. Collection method: clinical testing. Allele origin: germline. Not counted in ClinVar's aggregate classification.
Comment: This variant is classified as benign based on ACMG/AMP sequence variant interpretation guidelines (Richards et al. 2015 PMID: 25741868, with internal and published modifications).

NM_000807.4(GABRA2):c.256-8dup

Gene: GABRA2 (gamma-aminobutyric acid type A receptor subunit alpha2; minus strand). Cytogenetic location: 4p12.
Variant type: Duplication.
Coding change: c.256-8dup on transcript NM_000807.4 (MANE Select); 8 bases into the intron before coding-DNA position 256, one base duplicated (T; older notation c.256-8dupT).
Molecular consequence: intron variant.
Genome position (GRCh38, 1-based): chr4:46,312,724, A duplicated on the plus strand (T on the coding strand, the reverse complement: GABRA2 is on the minus strand); the first of 6 consecutive A bases (chr4:46,312,724-46,312,729); duplicating any one gives the same sequence. VCF-style (leftmost placement, unchanged base first): chr4-46312723-T-TA. GRCh37 (hg19) VCF-style: chr4-46314740-T-TA.
Other names: c.91-8dup (NM_001377154.1, NM_001377152.1, NM_001286827.3 and 1 more transcripts); c.256-8dup (NM_001377146.1, NM_001377145.1, NM_001377144.1 and 8 more transcripts); c.256-8dupT (NM_000807.3).
Identifiers: ClinVar variation 1600763 (VCV001600763.36), dbSNP rs376045789, ClinGen allele CA2906736.
Genomic context (GRCh38, chr4:46,312,723, plus strand): 5'-TTTTAAACGTTCATCTTTCCATTTTTGTCGAAAGAAAACATCAATTGTATATTCCTGAAA[T>TA]AAAAAATAGAATTTTTTTGAAAATAGTAAATGTTGTAGACACAAGACACGGTAAAATTCC-3'